The following is an entry in ClinVar:

NM_001378120.1(MBD5):c.196T>C (p.Cys66Arg)

Gene: MBD5 (methyl-CpG binding domain protein 5; plus strand). Cytogenetic location: 2q23.1.
Variant type: single nucleotide variant.
Coding change: c.196T>C on transcript NM_001378120.1 (MANE Select); coding-DNA position 196, T replaced by C.
Protein change: p.Cys66Arg; replaces cysteine 66 with arginine.
Molecular consequence: missense variant.
Genome position (GRCh38, 1-based): chr2:148,462,664, T>C. VCF-style: chr2-148462664-T-C. GRCh37 (hg19) VCF-style: chr2-149220233-T-C.
Other names: c.196T>C, p.Cys66Arg (NM_018328.5); short protein forms C66R.
Identifiers: ClinVar variation 3364996 (VCV003364996.1).
Genomic context (GRCh38, chr2:148,462,664, plus strand): 5'-TGCTTGGAGCAGGTTAAAACATACCTGCTTACTGATGGAACATGCAAGTGTGGCTTGGAA[T>C]GTCCTCTTATTCTTCCCAAGGTAACCATTTCACAATAGATCTACAGCAGTGTTTTATTTT-3'
Protein context (NP_001365049.1, residues 56-76): TDGTCKCGLE[Cys66Arg]PLILPKVFNF

ClinVar aggregate classification (germline): Uncertain significance (1 of 4 stars; one submission).

Submission:

GeneDx
Classification: Uncertain significance. Last evaluated: 2023-11-28. Review status: criteria provided, single submitter. Criteria: GeneDx Variant Classification Process June 2021. Collection method: clinical testing. Allele origin: germline. Affected: yes.
Comment: Not observed at significant frequency in large population cohorts (gnomAD); In silico analysis supports that this missense variant has a deleterious effect on protein structure/function; Has not been previously published as pathogenic or benign to our knowledge